The following is an entry in ClinVar:

NM_001165963.4(SCN1A):c.2531T>G (p.Leu844Arg)

Gene: SCN1A (sodium voltage-gated channel alpha subunit 1; minus strand). Cytogenetic location: 2q24.3.
Variant type: single nucleotide variant.
Coding change: c.2531T>G on transcript NM_001165963.4 (MANE Select); coding-DNA position 2531, T replaced by G.
Protein change: p.Leu844Arg; replaces leucine 844 with arginine.
Molecular consequence: missense variant. On other transcripts: non-coding transcript variant (1).
Genome position (GRCh38, 1-based): chr2:166,039,481, A>C on the plus strand (T>G on the coding strand, the complement: SCN1A is on the minus strand). VCF-style: chr2-166039481-A-C. GRCh37 (hg19) VCF-style: chr2-166895991-A-C.
Other names: c.2447T>G, p.Leu816Arg (NM_001165964.3, NM_001353957.2, NM_001353958.2); c.2531T>G, p.Leu844Arg (NM_001202435.3, NM_001353948.2); c.2498T>G, p.Leu833Arg (NM_001353949.2, NM_001353950.2, NM_001353951.2 and 2 more transcripts); c.2495T>G, p.Leu832Arg (NM_001353954.2, NM_001353955.2); c.2444T>G, p.Leu815Arg (NM_001353960.2); c.89T>G, p.Leu30Arg (NM_001353961.2); short protein forms L30R, L832R, L816R, L833R, L815R, L844R.
Identifiers: ClinVar variation 2093731 (VCV002093731.4), dbSNP rs2468113829, ClinGen allele CA349062529.
Genomic context (GRCh38, chr2:166,039,481, plus strand): 5'-ACCAATCGAAATGAACGGAGAACAGATAATCCTTCCACATTGGCGAGTCCAAGTTCTACC[A>C]GGCTAAGCGTCACAATAAAACCGTCAAAGATATTCCAGCCTTCTTGGAAATAATAGTAAG-3'
Protein context (NP_001159435.1, residues 834-854): IFDGFIVTLS[Leu844Arg]VELGLANVEG

ClinVar aggregate classification (germline): Uncertain significance (1 of 4 stars; one submission).

Conditions:
Early-infantile DEE. Also called: Ohtahara syndrome; Early infantile epileptic encephalopathy with suppression bursts; Early infantile epileptic encephalopathy. Identifiers: Orphanet 1934, MedGen C0393706, MONDO:0800491.

Submission:

Labcorp Genetics (formerly Invitae), Labcorp
Classification: Uncertain significance for Early-infantile DEE. Last evaluated: 2022-07-26. Review status: criteria provided, single submitter. Criteria: Invitae Variant Classification Sherloc (09022015). Collection method: clinical testing. Allele origin: germline.
Comment: In summary, the available evidence is currently insufficient to determine the role of this variant in disease. Therefore, it has been classified as a Variant of Uncertain Significance. Advanced modeling of protein sequence and biophysical properties (such as structural, functional, and spatial information, amino acid conservation, physicochemical variation, residue mobility, and thermodynamic stability) performed at Invitae indicates that this missense variant is expected to disrupt SCN1A protein function. This variant has not been reported in the literature in individuals affected with SCN1A-related conditions. This variant is not present in population databases (gnomAD no frequency). This sequence change replaces leucine, which is neutral and non-polar, with arginine, which is basic and polar, at codon 844 of the SCN1A protein (p.Leu844Arg).